The following is an entry in ClinVar:

ClinVar aggregate classification (germline): Uncertain significance (1 of 4 stars; one submission).

Conditions:
Hereditary cancer-predisposing syndrome. Also called: Neoplastic Syndromes, Hereditary; Tumor predisposition; Hereditary Cancer Syndrome; Hereditary neoplastic syndrome. Identifiers: Orphanet 140162, MedGen C0027672, MeSH D009386, MONDO:0015356.

Submission:

Ambry Genetics
Classification: Uncertain significance for Hereditary cancer-predisposing syndrome. Last evaluated: 2025-07-31. Review status: criteria provided, single submitter. Criteria: Ambry Variant Classification Scheme 2023. Collection method: clinical testing. Allele origin: germline.
Comment: The p.Q56R variant (also known as c.167A>G), located in coding exon 2 of the SDHAF2 gene, results from an A to G substitution at nucleotide position 167. The glutamine at codon 56 is replaced by arginine, an amino acid with highly similar properties. This amino acid position is conserved. In addition, this alteration is predicted to be tolerated by in silico analysis. Based on the available evidence, the clinical significance of this variant remains unclear.

NM_017841.4(SDHAF2):c.167A>G (p.Gln56Arg)

Gene: SDHAF2 (succinate dehydrogenase complex assembly factor 2; plus strand). Cytogenetic location: 11q12.2.
Variant type: single nucleotide variant.
Coding change: c.167A>G on transcript NM_017841.4 (MANE Select); coding-DNA position 167, A replaced by G.
Protein change: p.Gln56Arg; replaces glutamine 56 with arginine.
Molecular consequence: missense variant.
Genome position (GRCh38, 1-based): chr11:61,437,755, A>G. VCF-style: chr11-61437755-A-G. GRCh37 (hg19) VCF-style: chr11-61205227-A-G.
Other names: short protein forms Q56R.
Identifiers: ClinVar variation 4161216 (VCV004161216.1).